The following is an entry in ClinVar:

ClinVar aggregate classification (germline): Uncertain significance (1 of 4 stars; one submission).

Submission:

Ambry Genetics
Classification: Uncertain significance. Last evaluated: 2025-08-22. Review status: criteria provided, single submitter. Criteria: Ambry Variant Classification Scheme 2023. Collection method: clinical testing. Allele origin: germline.
Comment: The p.T838I variant (also known as c.2513C>T), located in coding exon 1 of the TET2 gene, results from a C to T substitution at nucleotide position 2513. The threonine at codon 838 is replaced by isoleucine, an amino acid with similar properties. This amino acid position is conserved. In addition, this alteration is predicted to be tolerated by in silico analysis. Based on the available evidence, the clinical significance of this variant remains unclear.

NM_001127208.3(TET2):c.2513C>T (p.Thr838Ile)

Genes: TET2 (tet methylcytosine dioxygenase 2; plus strand), TET2-AS1 (TET2 antisense RNA 1; minus strand). Cytogenetic location: 4q24.
Variant type: single nucleotide variant.
Coding change: c.2513C>T on transcript NM_001127208.3 (MANE Select); coding-DNA position 2513, C replaced by T.
Protein change: p.Thr838Ile; replaces threonine 838 with isoleucine.
Molecular consequence: missense variant.
Genome position (GRCh38, 1-based): chr4:105,236,455, C>T. VCF-style: chr4-105236455-C-T. GRCh37 (hg19) VCF-style: chr4-106157612-C-T.
Other names: c.2513C>T, p.Thr838Ile (NM_017628.4); short protein forms T838I.
Identifiers: ClinVar variation 4183028 (VCV004183028.1).